The following is an entry in ClinVar:

ClinVar aggregate classification (germline): Conflicting classifications of pathogenicity. Review status: criteria provided, conflicting classifications (1 of 4 stars). 2 submissions from 2 submitters: Likely pathogenic (1); Uncertain significance (1). Last evaluated 2026-06-24.

Conditions:
Smith-Lemli-Opitz syndrome (SLOS). Also called: 7-Dehydrocholesterol reductase deficiency; POLYDACTYLY, SEX REVERSAL, RENAL HYPOPLASIA, AND UNILOBAR LUNG; RSH SYNDROME; RUTLEDGE LETHAL MULTIPLE CONGENITAL ANOMALY SYNDROME; LETHAL ACRODYSGENITAL SYNDROME. Identifiers: Orphanet 818, MedGen C0175694, MONDO:0010035, OMIM 270400.

gnomAD v4.1: 1 of 1,614,074 alleles (0.000062%); highest among the groups gnomAD compares: Non-Finnish European, 0.000085%; no homozygotes.

Submissions (2):

Myriad Genetics, Inc.
Classification: Uncertain significance for Smith-Lemli-Opitz syndrome. Last evaluated: 2026-06-24. Review status: criteria provided, single submitter. Criteria: Myriad Autosomal Dominant, Autosomal Recessive and X-Linked Classification Criteria (2023). Collection method: clinical testing. Allele origin: unknown.
Comment: NM_001360.2(DHCR7):c.739G>T(A247S) is a missense variant classified as a variant of uncertain significance in the context of Smith-Lemli-Opitz syndrome. A247S has not been observed in cases with relevant disease. Relevant functional assessments of this variant are not available in the literature. A247S has not been observed in referenced population frequency databases. In summary, there is insufficient evidence to classify NM_001360.2(DHCR7):c.739G>T(A247S) as pathogenic or benign. Please note: this variant was assessed in the context of healthy population screening.

Labcorp Genetics (formerly Invitae), Labcorp
Classification: Likely pathogenic for Smith-Lemli-Opitz syndrome. Last evaluated: 2021-01-18. Review status: criteria provided, single submitter. Criteria: Invitae Variant Classification Sherloc (09022015). Collection method: clinical testing. Allele origin: germline.
Comment: In summary, the currently available evidence indicates that the variant is pathogenic, but additional data are needed to prove that conclusively. Therefore, this variant has been classified as Likely Pathogenic. This variant disrupts the p.Ala247 amino acid residue in DHCR7. Other variant(s) that disrupt this residue have been determined to be pathogenic (PPMID: 9653161, 10995508, 15896653). This suggests that this residue is clinically significant, and that variants that disrupt this residue are likely to be disease-causing. Advanced modeling of protein sequence and biophysical properties (such as structural, functional, and spatial information, amino acid conservation, physicochemical variation, residue mobility, and thermodynamic stability) performed at Invitae indicates that this missense variant is expected to disrupt DHCR7 protein function. This variant has not been reported in the literature in individuals with DHCR7-related conditions. This variant is not present in population databases (ExAC no frequency). This sequence change replaces alanine with serine at codon 247 of the DHCR7 protein (p.Ala247Ser). The alanine residue is highly conserved and there is a moderate physicochemical difference between alanine and serine.

NM_001360.3(DHCR7):c.739G>T (p.Ala247Ser)

Gene: DHCR7 (7-dehydrocholesterol reductase; minus strand). Cytogenetic location: 11q13.4.
Variant type: single nucleotide variant.
Coding change: c.739G>T on transcript NM_001360.3 (MANE Select); coding-DNA position 739, G replaced by T.
Protein change: p.Ala247Ser; replaces alanine 247 with serine.
Molecular consequence: missense variant.
Genome position (GRCh38, 1-based): chr11:71,438,971, C>A on the plus strand (G>T on the coding strand, the complement: DHCR7 is on the minus strand). VCF-style: chr11-71438971-C-A. GRCh37 (hg19) VCF-style: chr11-71150017-C-A.
Other names: c.739G>T, p.Ala247Ser (NM_001163817.2); short protein forms A247S.
Identifiers: ClinVar variation 1476545 (VCV001476545.9), dbSNP rs767031102, ClinGen allele CA381703374.